The following is an entry in ClinVar:

ClinVar aggregate classification (germline): Likely benign. Review status: criteria provided, single submitter (1 of 4 stars). 2 submissions from 2 submitters: Likely benign (1). 1 of the submissions does not count toward it. Last evaluated 2023-03-07.

Conditions:
Bardet-Biedl syndrome (BBS). Identifiers: Orphanet 110, MedGen C0752166, MONDO:0015229.
BBS10-related disorder. Also called: BBS10-related condition.

Allele frequency attached by ClinVar (database versions not stated): gnomAD exomes below 0.00001 and 0.00001; ExAC 0.00001.
gnomAD v4.1: 7 of 1,613,988 alleles (0.00043%); highest among the groups gnomAD compares: African/African-American, 0.008%; no homozygotes.

Submissions (2):

Labcorp Genetics (formerly Invitae), Labcorp
Classification: Likely benign for Bardet-Biedl syndrome. Last evaluated: 2023-03-07. Review status: criteria provided, single submitter. Criteria: Invitae Variant Classification Sherloc (09022015). Collection method: clinical testing. Allele origin: germline.

PreventionGenetics, part of Exact Sciences
Classification: Likely benign for BBS10-related condition. Last evaluated: 2020-11-10. Review status: no assertion criteria provided. Collection method: clinical testing. Allele origin: germline. Not counted in ClinVar's aggregate classification.
Comment: This variant is classified as likely benign based on ACMG/AMP sequence variant interpretation guidelines (Richards et al. 2015 PMID: 25741868, with internal and published modifications).

NM_024685.4(BBS10):c.1365T>C (p.Tyr455=)

Gene: BBS10 (Bardet-Biedl syndrome 10; minus strand). Cytogenetic location: 12q21.2.
Variant type: single nucleotide variant.
Coding change: c.1365T>C on transcript NM_024685.4 (MANE Select); coding-DNA position 1365, T replaced by C.
Protein change: p.Tyr455=; no amino-acid change (tyrosine 455 retained).
Molecular consequence: synonymous variant.
Genome position (GRCh38, 1-based): chr12:76,346,620, A>G on the plus strand (T>C on the coding strand, the complement: BBS10 is on the minus strand). VCF-style: chr12-76346620-A-G. GRCh37 (hg19) VCF-style: chr12-76740400-A-G.
Other names: c.1365T>C (NM_024685.3).
Identifiers: ClinVar variation 1538675 (VCV001538675.9), dbSNP rs778731343, ClinGen allele CA6694184.
Genomic context (GRCh38, chr12:76,346,620, plus strand): 5'-CTCTGCAACTGTGTCCTGATAAGGCCTTTGTATTGAGCCATTACCAGGATCTGGTGCTTG[A>G]TAACTTTCTCCACTGTTCTTATAAATAAAAAGACTTGAAGTGCCATTTTGGTCATTGGTT-3'
Protein context (NP_078961.3, residues 445-465): LFIYKNSGES[Tyr455=]QAPDPGNGSI